The following is an entry in ClinVar:

NM_000059.4(BRCA2):c.6582del (p.Ile2194fs)

Gene: BRCA2 (BRCA2 DNA repair associated; plus strand). Cytogenetic location: 13q13.1.
Variant type: Deletion.
Coding change: c.6582del on transcript NM_000059.4 (MANE Select); coding-DNA position 6582, one base deleted (T; older notation c.6582delT).
Protein change: p.Ile2194fs; shifts the reading frame from isoleucine 2194.
Molecular consequence: frameshift variant.
Genome position (GRCh38, 1-based): chr13:32,340,937, T deleted; the last of 2 consecutive T bases (chr13:32,340,936-32,340,937); deleting either gives the same sequence. VCF-style (leftmost placement, unchanged base first): chr13-32340935-AT-A. GRCh37 (hg19) VCF-style: chr13-32915072-AT-A.
Other names: short protein forms I2194fs.
Identifiers: ClinVar variation 1377579 (VCV001377579.10), dbSNP rs1566234955, ClinGen allele CA919242736.

ClinVar aggregate classification (germline): Pathogenic. Review status: criteria provided, multiple submitters, no conflicts (2 of 4 stars). 3 submissions from 3 submitters: Pathogenic (2). 1 of the submissions does not count toward it. Last evaluated 2025-02-19.

Conditions:
Breast-ovarian cancer, familial, susceptibility to, 2 (BROVCA2). Also called: BRCA2 Hereditary Breast and Ovarian Cancer. Identifiers: Orphanet 145, MedGen C2675520, MONDO:0012933, OMIM 612555. Disease mechanism: loss of function.
Familial cancer of breast. Also called: BREAST CANCER, FAMILIAL; Hereditary breast cancer; hereditary breast carcinoma. Identifiers: Orphanet 227535, MedGen C0346153, MONDO:0016419, OMIM 114480. Disease mechanism: loss of function.
Hereditary breast ovarian cancer syndrome. Also called: Hereditary breast and ovarian cancer; Hereditary breast and ovarian cancer syndrome (HBOC); Breast and ovarian cancer; BRCA1- and BRCA2-Associated Hereditary Breast and Ovarian Cancer; Hereditary breast and/or ovarian cancer syndrome; Hereditary breast and ovarian cancer syndrome. Identifiers: Orphanet 145, MedGen C0677776, MeSH D061325, MONDO:0003582. Disease mechanism: loss of function.

Submissions (3):

Labcorp Genetics (formerly Invitae), Labcorp
Classification: Pathogenic for Hereditary breast ovarian cancer syndrome. Last evaluated: 2025-02-19. Review status: criteria provided, single submitter. Criteria: Invitae Variant Classification Sherloc (09022015). Collection method: clinical testing. Allele origin: germline.
Comment: This sequence change creates a premature translational stop signal (p.Ile2194Metfs*12) in the BRCA2 gene. It is expected to result in an absent or disrupted protein product. Loss-of-function variants in BRCA2 are known to be pathogenic (PMID: 20104584). This variant is not present in population databases (gnomAD no frequency). This premature translational stop signal has been observed in individual(s) with breast cancer and/or ovarian cancer (PMID: 30702160, 31825140). This variant is also known as c.6581delT. ClinVar contains an entry for this variant (Variation ID: 1377579). For these reasons, this variant has been classified as Pathogenic.

Myriad Genetics, Inc.
Classification: Pathogenic for Breast-ovarian cancer, familial, susceptibility to, 2. Last evaluated: 2023-02-13. Review status: criteria provided, single submitter. Criteria: Myriad Autosomal Dominant, Autosomal Recessive and X-Linked Classification Criteria (2023). Collection method: clinical testing. Allele origin: unknown.
Comment: This variant is considered pathogenic. This variant creates a frameshift predicted to result in premature protein truncation.

Center for Precision Medicine, Meizhou People's Hospital
Classification: Pathogenic for Familial cancer of breast. Review status: no assertion criteria provided. Collection method: literature only. Allele origin: germline. Affected: yes. Not counted in ClinVar's aggregate classification.

Literature cited by the submitters: PubMed 20104584 (cited by Labcorp Genetics (formerly Invitae), Labcorp and Center for Precision Medicine, Meizhou People's Hospital); PubMed 30702160 (cited by Labcorp Genetics (formerly Invitae), Labcorp and Center for Precision Medicine, Meizhou People's Hospital); PubMed 31825140 (cited by Labcorp Genetics (formerly Invitae), Labcorp and Center for Precision Medicine, Meizhou People's Hospital).